The following is an entry in ClinVar:

ClinVar aggregate classification (germline): Uncertain significance (1 of 4 stars; one submission).

Allele frequency attached by ClinVar (database versions not stated): gnomAD exomes below 0.00001; TOPMed below 0.00001; gnomAD 0.00001.
gnomAD v4.1: 7 of 1,608,266 alleles (0.00044%); highest among the groups gnomAD compares: Non-Finnish European, 0.00051%; no homozygotes.

Submission:

Labcorp Genetics (formerly Invitae), Labcorp
Classification: Uncertain significance. Last evaluated: 2022-03-13. Review status: criteria provided, single submitter. Criteria: Invitae Variant Classification Sherloc (09022015). Collection method: clinical testing. Allele origin: germline.
Comment: In summary, the available evidence is currently insufficient to determine the role of this variant in disease. Therefore, it has been classified as a Variant of Uncertain Significance. Algorithms developed to predict the effect of missense changes on protein structure and function output the following: SIFT: "Tolerated"; PolyPhen-2: "Benign"; Align-GVGD: "Class C0". The proline amino acid residue is found in multiple mammalian species, which suggests that this missense change does not adversely affect protein function. This variant has not been reported in the literature in individuals affected with SBF1-related conditions. This variant is not present in population databases (gnomAD no frequency). This sequence change replaces serine, which is neutral and polar, with proline, which is neutral and non-polar, at codon 1649 of the SBF1 protein (p.Ser1649Pro).

NM_002972.4(SBF1):c.4945T>C (p.Ser1649Pro)

Gene: SBF1 (SET binding factor 1; minus strand). Cytogenetic location: 22q13.33.
Variant type: single nucleotide variant.
Coding change: c.4945T>C on transcript NM_002972.4 (MANE Select); coding-DNA position 4945, T replaced by C.
Protein change: p.Ser1649Pro; replaces serine 1649 with proline.
Molecular consequence: missense variant.
Genome position (GRCh38, 1-based): chr22:50,454,610, A>G on the plus strand (T>C on the coding strand, the complement: SBF1 is on the minus strand). VCF-style: chr22-50454610-A-G. GRCh37 (hg19) VCF-style: chr22-50893039-A-G.
Other names: c.4870T>C, p.Ser1624Pro (NM_001365819.1); c.4948T>C, p.Ser1650Pro (NM_001410794.1); c.4867T>C, p.Ser1623Pro (NM_001410795.1); c.4945T>C, p.Ser1649Pro (NM_197971.1); short protein forms S1649P, S1650P, S1623P, S1624P.
Identifiers: ClinVar variation 1969769 (VCV001969769.4), dbSNP rs1418365748, ClinGen allele CA412191772.